The following is an entry in ClinVar:

NM_172107.4(KCNQ2):c.1149-8T>C

Gene: KCNQ2 (potassium voltage-gated channel subfamily Q member 2; minus strand). Cytogenetic location: 20q13.33.
Variant type: single nucleotide variant.
Coding change: c.1149-8T>C on transcript NM_172107.4 (MANE Select); 8 bases into the intron before coding-DNA position 1149, T replaced by C.
Molecular consequence: intron variant.
Genome position (GRCh38, 1-based): chr20:63,428,443, A>G on the plus strand (T>C on the coding strand, the complement: KCNQ2 is on the minus strand). VCF-style: chr20-63428443-A-G. GRCh37 (hg19) VCF-style: chr20-62059796-A-G.
Other names: c.1119-8T>C (NM_004518.6); c.1149-8T>C (NM_172108.5, NM_172106.3, NM_001382235.1).
Identifiers: ClinVar variation 1531982 (VCV001531982.27), dbSNP rs1459803620, ClinGen allele CA636342982.

ClinVar aggregate classification (germline): Conflicting classifications of pathogenicity. Review status: criteria provided, conflicting classifications (1 of 4 stars). 2 submissions from 2 submitters: Uncertain significance (1); Likely benign (1). Last evaluated 2024-06-01.

Conditions:
Early-infantile DEE. Also called: Ohtahara syndrome; Early infantile epileptic encephalopathy with suppression bursts; Early infantile epileptic encephalopathy. Identifiers: Orphanet 1934, MedGen C0393706, MONDO:0800491.

Allele frequency attached by ClinVar (database versions not stated): gnomAD exomes below 0.00001; TOPMed below 0.00001.
gnomAD v4.1: 3 of 1,585,294 alleles (0.00019%); highest among the groups gnomAD compares: Non-Finnish European, 0.00026%; no homozygotes.

Submissions (2):

CeGaT Center for Human Genetics Tuebingen
Classification: Uncertain significance. Last evaluated: 2024-06-01. Review status: criteria provided, single submitter. Criteria: CeGaT Center For Human Genetics Tuebingen Variant Classification Criteria Version 2. Collection method: clinical testing. Allele origin: germline. Affected: yes. Observed: 1 variant allele.
Comment: KCNQ2: PM2, BP4

Labcorp Genetics (formerly Invitae), Labcorp
Classification: Likely benign for Early-infantile DEE. Last evaluated: 2021-08-01. Review status: criteria provided, single submitter. Criteria: Invitae Variant Classification Sherloc (09022015). Collection method: clinical testing. Allele origin: germline.